The following is an entry in ClinVar:

ClinVar aggregate classification (germline): Benign (1 of 4 stars; one submission).

Conditions:
Familial cancer of breast. Also called: hereditary breast carcinoma; Hereditary breast cancer; BREAST CANCER, FAMILIAL. Identifiers: Orphanet 227535, MedGen C0346153, MONDO:0016419, OMIM 114480. Disease mechanism: loss of function.

gnomAD v4.1: 4 of 1,612,930 alleles (0.00025%); highest among the groups gnomAD compares: Non-Finnish European, 0.00034%; no homozygotes.

Submission:

Myriad Genetics, Inc.
Classification: Benign for Familial cancer of breast. Last evaluated: 2024-09-03. Review status: criteria provided, single submitter. Criteria: Myriad Autosomal Dominant, Autosomal Recessive and X-Linked Classification Criteria (2023). Collection method: clinical testing. Allele origin: unknown.
Comment: This variant is considered benign. This variant is a silent/synonymous amino acid change and it is not expected to impact splicing.

NM_032043.3(BRIP1):c.2101T>C (p.Leu701=)

Gene: BRIP1 (BRCA1 interacting DNA helicase 1; minus strand). Cytogenetic location: 17q23.2.
Variant type: single nucleotide variant.
Coding change: c.2101T>C on transcript NM_032043.3 (MANE Select); coding-DNA position 2101, T replaced by C.
Protein change: p.Leu701=; no amino-acid change (leucine 701 retained).
Molecular consequence: synonymous variant.
Genome position (GRCh38, 1-based): chr17:61,744,588, A>G on the plus strand (T>C on the coding strand, the complement: BRIP1 is on the minus strand). VCF-style: chr17-61744588-A-G. GRCh37 (hg19) VCF-style: chr17-59821949-A-G.
Identifiers: ClinVar variation 3378622 (VCV003378622.1).